The following is an entry in ClinVar:

NM_000256.3(MYBPC3):c.3752A>G (p.Tyr1251Cys)

Gene: MYBPC3 (myosin binding protein C3; minus strand). Cytogenetic location: 11p11.2.
Variant type: single nucleotide variant.
Coding change: c.3752A>G on transcript NM_000256.3 (MANE Select); coding-DNA position 3752, A replaced by G.
Protein change: p.Tyr1251Cys; replaces tyrosine 1251 with cysteine.
Molecular consequence: missense variant.
Genome position (GRCh38, 1-based): chr11:47,332,134, T>C on the plus strand (A>G on the coding strand, the complement: MYBPC3 is on the minus strand). VCF-style: chr11-47332134-T-C. GRCh37 (hg19) VCF-style: chr11-47353685-T-C.
Other names: p.Y1251C:TAT>TGT; short protein forms Y1251C.
Identifiers: ClinVar variation 181021 (VCV000181021.20), dbSNP rs730880602, ClinGen allele CA014770.

ClinVar aggregate classification (germline): Conflicting classifications of pathogenicity. Review status: criteria provided, conflicting classifications (1 of 4 stars). 6 submissions from 6 submitters: Likely pathogenic (2); Uncertain significance (4). Last evaluated 2026-08-26.

Conditions:
Cardiovascular phenotype. Identifiers: MedGen CN230736.
Cardiomyopathy (CMYO). Also called: Cardiomyopathies. Identifiers: Orphanet 167848, MedGen C0878544, MONDO:0004994, HP:0001638. Inheritance: Various modes of inheritance.
Hypertrophic cardiomyopathy. Also called: HYPERTROPHIC MYOCARDIOPATHY. Identifiers: Orphanet 217569, MedGen C0007194, MeSH D002312, MONDO:0005045, HP:0001639.
Hypertrophic cardiomyopathy 4. Also called: Familial hypertrophic cardiomyopathy 4. Identifiers: MedGen C1861862, MONDO:0007268, OMIM 115197.

Allele frequency attached by ClinVar (database versions not stated): gnomAD exomes below 0.00001.
gnomAD v4.1: 1 of 1,613,624 alleles (0.000062%); highest among the groups gnomAD compares: Non-Finnish European, 0.000085%; no homozygotes.

Submissions (6):

Ambry Genetics
Classification: Likely pathogenic for Cardiovascular phenotype. Last evaluated: 2026-08-26. Review status: criteria provided, single submitter. Criteria: Ambry Variant Classification Scheme 2023. Collection method: clinical testing. Allele origin: germline.
Comment: The p.Y1251C variant (also known as c.3752A>G), located in coding exon 33 of the MYBPC3 gene, results from an A to G substitution at nucleotide position 3752. The tyrosine at codon 1251 is replaced by cysteine, an amino acid with highly dissimilar properties. This variant was reported in individual(s) with hypertrophic cardiomyopathy (Fokstuen S et al. J Med Genet, 2011 Aug;48:572-6; Lopes LR et al. Heart, 2015 Feb;101:294-301; Walsh R et al. Genet Med, 2017 02;19:192-203). Another variant at the same codon, p.Y1251H (c.3751T>C), has been identified in individual(s) with hypertrophic cardiomyopathy (Lopes LR et al. Heart, 2015 Feb;101:294-301; Helms AS et al. Circ Genom Precis Med, 2020 Oct;13:396-405; Suay-Corredera C et al. J Biol Chem, 2021 Jul;297:100854; Stafford F et al. Genome Med, 2022 Dec;14:145). This amino acid position is highly conserved in available vertebrate species. In addition, this alteration is predicted to be deleterious by in silico analysis. This variant is considered to be rare based on population cohorts in the Genome Aggregation Database (gnomAD). Based on the majority of available evidence to date, this variant is likely to be pathogenic.

Color Diagnostics, LLC DBA Color Health
Classification: Uncertain significance for Cardiomyopathy. Last evaluated: 2025-07-21. Review status: criteria provided, single submitter. Criteria: ACMG Guidelines, 2015. Collection method: clinical testing. Allele origin: germline.
Comment: This missense variant replaces tyrosine with cysteine at codon 1251 of the MYBPC3 protein. This variant is found within a highly conserved region of the Ig-like domain C10 (a.a. 1248-1266). Missense variants in this region have been shown to be significantly overrepresented in individuals with affected with hypertrophic cardiomyopathy (PMID: 30696458). Computational prediction suggests that this variant may have a deleterious impact on protein structure and function. To our knowledge, functional studies have not been reported for this variant. This variant has been reported in individuals affected with hypertrophic cardiomyopathy (PMID: 21239446, 25351510, 27532257, 37652022). This variant has not been identified in the general population by the Genome Aggregation Database (gnomAD). The available evidence is insufficient to determine the role of this variant in disease conclusively. Therefore, this variant is classified as a Variant of Uncertain Significance.

Labcorp Genetics (formerly Invitae), Labcorp
Classification: Uncertain significance for Hypertrophic cardiomyopathy. Last evaluated: 2024-10-24. Review status: criteria provided, single submitter. Criteria: Invitae Variant Classification Sherloc (09022015). Collection method: clinical testing. Allele origin: germline.
Comment: This sequence change replaces tyrosine, which is neutral and polar, with cysteine, which is neutral and slightly polar, at codon 1251 of the MYBPC3 protein (p.Tyr1251Cys). This variant is not present in population databases (gnomAD no frequency). This missense change has been observed in individual(s) with hypertrophic cardiomyopathy (PMID: 21239446, 25351510, 27532257, 37652022). This variant is also known as p.Tyr1250Cys. ClinVar contains an entry for this variant (Variation ID: 181021). An algorithm developed to predict the effect of missense changes on protein structure and function (PolyPhen-2) suggests that this variant is likely to be disruptive. This variant disrupts the p.Tyr1251 amino acid residue in MYBPC3. Other variant(s) that disrupt this residue have been determined to be pathogenic (PMID: 33782553, 34097875). This suggests that this residue is clinically significant, and that variants that disrupt this residue are likely to be disease-causing. In summary, the available evidence is currently insufficient to determine the role of this variant in disease. Therefore, it has been classified as a Variant of Uncertain Significance.

Genomic Medicine Center of Excellence, King Faisal Specialist Hospital and Research Centre
Classification: Uncertain significance for Hypertrophic cardiomyopathy 4. Last evaluated: 2024-03-29. Review status: criteria provided, single submitter. Criteria: ACMG Guidelines, 2015. Collection method: clinical testing. Allele origin: germline.

Mayo Clinic Laboratories, Mayo Clinic
Classification: Likely pathogenic. Last evaluated: 2019-06-17. Review status: criteria provided, single submitter. Criteria: ACMG Guidelines, 2015. Collection method: clinical testing. Allele origin: germline. Observed: 1 variant allele.
Comment: PS4_moderate, PM2, PP2, PP3

GeneDx
Classification: Uncertain significance. Last evaluated: 2015-11-30. Review status: criteria provided, single submitter. Criteria: GeneDx Variant Classification (06012015). Collection method: clinical testing. Allele origin: germline. Affected: yes.
Comment: p.Tyr1251Cys (TAT>TGT): c.3752 A>G in exon 33 of the MYBPC3 gene (NM_000256.3). The Tyr1251Cys variant in the MYBPC3 gene has not been reported as a disease-causing mutation or as a benign polymorphism to our knowledge. Tyr1251Cys results in a semi-conservative substitution of a neutral, polar Tyrosine for a polar neutral Cysteine, that could affect disulfide bonding. The Tyr1251 position is well conserved across evolution. In silico analysis predicts Tyr1251Cys is probably to the protein structure/function. Mutations in nearby residues (Gly1248Arg, Ala1255Thr) have been reported in association with HCM, further supporting the functional importance of this region of the protein. Furthermore, the NHLBI ESP Exome Variant Server reports Tyr1251Cys was not observed in approximately 5,000 samples from individuals of European and African American backgrounds, indicating it is not a common benign variant in these populations.In summary, while the Tyr1251Cys variant in the MYBPC3 gene is a good candidate for a disease-causing mutation, we cannot unequivocally determine the clinical significance of this variant at this time. Mutations in the MYBPC3 gene have been reported in 20%-30% of patients with autosomal dominant familial hypertrophic cardiomyopathy, and have been reported less frequently in patients with autosomal dominant familial dilated cardiomyopathy (Cirino A et al., 2011; Hershberger R et al., 2009). The variant is found in HCM panel(s).

Literature cited by the submitters: PubMed 21239446 (cited by 4 submitters); PubMed 25351510 (cited by 4 submitters); PubMed 27532257 (cited by 4 submitters); PubMed 28840316 (cited by Ambry Genetics); PubMed 30696458 (cited by Color Diagnostics, LLC DBA Color Health); PubMed 37652022 (cited by Color Diagnostics, LLC DBA Color Health and Labcorp Genetics (formerly Invitae), Labcorp); PubMed 33782553 (cited by Labcorp Genetics (formerly Invitae), Labcorp); PubMed 34097875 (cited by Labcorp Genetics (formerly Invitae), Labcorp).